The following is an entry in ClinVar:

NM_033026.6(PCLO):c.13612C>T (p.Leu4538Phe)

Gene: PCLO (piccolo presynaptic cytomatrix protein; minus strand). Cytogenetic location: 7q21.11.
Variant type: single nucleotide variant.
Coding change: c.13612C>T on transcript NM_033026.6 (MANE Select); coding-DNA position 13612, C replaced by T.
Protein change: p.Leu4538Phe; replaces leucine 4538 with phenylalanine.
Molecular consequence: missense variant.
Genome position (GRCh38, 1-based): chr7:82,879,379, G>A on the plus strand (C>T on the coding strand, the complement: PCLO is on the minus strand). VCF-style: chr7-82879379-G-A. GRCh37 (hg19) VCF-style: chr7-82508695-G-A.
Other names: c.13612C>T, p.Leu4538Phe (NM_014510.3); short protein forms L4538F.
Identifiers: ClinVar variation 1476219 (VCV001476219.6), dbSNP rs761504176, ClinGen allele CA367882378.

ClinVar aggregate classification (germline): Uncertain significance (1 of 4 stars; one submission).

gnomAD v4.1: 1 of 1,612,524 alleles (0.000062%); highest among the groups gnomAD compares: South Asian, 0.0011%; no homozygotes.

Submission:

Labcorp Genetics (formerly Invitae), Labcorp
Classification: Uncertain significance. Last evaluated: 2021-10-12. Review status: criteria provided, single submitter. Criteria: Invitae Variant Classification Sherloc (09022015). Collection method: clinical testing. Allele origin: germline.
Comment: In summary, the available evidence is currently insufficient to determine the role of this variant in disease. Therefore, it has been classified as a Variant of Uncertain Significance. This sequence change replaces leucine with phenylalanine at codon 4538 of the PCLO protein (p.Leu4538Phe). The leucine residue is moderately conserved and there is a small physicochemical difference between leucine and phenylalanine. This variant is not present in population databases (ExAC no frequency). This variant has not been reported in the literature in individuals affected with PCLO-related conditions. Algorithms developed to predict the effect of missense changes on protein structure and function are either unavailable or do not agree on the potential impact of this missense change (SIFT: "Tolerated"; PolyPhen-2: "Not Available"; Align-GVGD: "Class C0").